The following is an entry in ClinVar:

NM_206926.2(SELENON):c.1180-10G>A

Gene: SELENON (selenoprotein N; plus strand). Cytogenetic location: 1p36.11.
Variant type: single nucleotide variant.
Coding change: c.1180-10G>A on transcript NM_206926.2 (MANE Select); 10 bases into the intron before coding-DNA position 1180, G replaced by A.
Molecular consequence: intron variant.
Genome position (GRCh38, 1-based): chr1:25,812,677, G>A. VCF-style: chr1-25812677-G-A. GRCh37 (hg19) VCF-style: chr1-26139168-G-A.
Other names: p.?; c.1282-10G>A (NM_020451.2, NM_020451.3).
Identifiers: ClinVar variation 1622763 (VCV001622763.35), dbSNP rs556910756, ClinGen allele CA696820.

ClinVar aggregate classification (germline): Benign/Likely benign. Review status: criteria provided, multiple submitters, no conflicts (2 of 4 stars). 5 submissions from 5 submitters: Benign (1); Likely benign (3). 1 of the submissions does not count toward it. Last evaluated 2026-01-09.

Conditions:
Eichsfeld type congenital muscular dystrophy (CMYO3). Also called: MYOPATHY, SEPN1-RELATED; Rigid spine muscular dystrophy 1; SELENON-related myopathy; Congenital myopathy 3 with rigid spine. Identifiers: MedGen C0410180, MONDO:0100100, OMIM 602771.
SELENON-related disorder. Also called: SELENON-related condition.

Allele frequency attached by ClinVar (database versions not stated): TOPMed 0.00002; gnomAD 0.00018; gnomAD exomes 0.00027 and 0.00060; 1000 Genomes Project 30x 0.00047; 1000 Genomes Project 0.00060; ExAC 0.00074.
gnomAD v4.1: 420 of 1,606,412 alleles (0.026%); highest among the groups gnomAD compares: South Asian, 0.45%; 7 homozygotes.

Submissions (5):

Labcorp Genetics (formerly Invitae), Labcorp
Classification: Benign for Eichsfeld type congenital muscular dystrophy. Last evaluated: 2026-01-09. Review status: criteria provided, single submitter. Criteria: Invitae Variant Classification Sherloc (09022015). Collection method: clinical testing. Allele origin: germline.

Mayo Clinic Laboratories, Mayo Clinic
Classification: Likely benign. Last evaluated: 2024-10-11. Review status: criteria provided, single submitter. Criteria: ACMG Guidelines, 2015. Collection method: clinical testing. Allele origin: germline. Observed: 1 variant allele.
Comment: BS1, BP4, BP7

Blueprint Genetics
Classification: Likely benign. Last evaluated: 2024-10-09. Review status: criteria provided, single submitter. Criteria: ACMG Guidelines, 2015. Collection method: clinical testing. Allele origin: germline.

CeGaT Center for Human Genetics Tuebingen
Classification: Likely benign. Last evaluated: 2023-01-01. Review status: criteria provided, single submitter. Criteria: CeGaT Center For Human Genetics Tuebingen Variant Classification Criteria Version 2. Collection method: clinical testing. Allele origin: germline. Affected: yes. Observed: 1 variant allele.
Comment: SELENON: BS2

PreventionGenetics, part of Exact Sciences
Classification: Likely benign for SELENON-related condition. Last evaluated: 2022-04-06. Review status: no assertion criteria provided. Collection method: clinical testing. Allele origin: germline. Not counted in ClinVar's aggregate classification.
Comment: This variant is classified as likely benign based on ACMG/AMP sequence variant interpretation guidelines (Richards et al. 2015 PMID: 25741868, with internal and published modifications).